The following is an entry in ClinVar:

ClinVar aggregate classification (germline): Likely pathogenic (1 of 4 stars; one submission).

Conditions:
Hereditary cancer-predisposing syndrome. Also called: Neoplastic Syndromes, Hereditary; Tumor predisposition; Hereditary Cancer Syndrome; Hereditary neoplastic syndrome. Identifiers: Orphanet 140162, MedGen C0027672, MeSH D009386, MONDO:0015356.

Submission:

Ambry Genetics
Classification: Likely pathogenic for Hereditary cancer-predisposing syndrome. Last evaluated: 2017-12-11. Review status: criteria provided, single submitter. Criteria: Ambry Variant Classification Scheme 2023. Collection method: clinical testing. Allele origin: germline.
Comment: The c.801delG variant (also known as p.M269*), located in coding exon 8 of the SDHB gene, results from a deletion of one nucleotide at position 801. This changes the amino acid from a methionine to a stop codon within coding exon 8. This stop codon occurs at the 3' terminus of SDHB, is not expected to trigger nonsense-mediated mRNA decay, and removes only the last 11 amino acids of the protein. The exact functional impact of these removed amino acids is unknown at this time; however, this variant has been identified in at least one individual with a paraganglioma and/or pheochromocytoma (Ambry internal data). In addition, several other variants with predicted premature termination codons near the C-terminus have been identified in patients affected with paraganglioma or pheochromocytomas including SDHB c.784_787dupGCTA (p.I263fs*13), SDHB c.780delG (p.A262Lfs*8), and SDHB c.770dupT (p.N258Efs*17) (Ambry internal data; Neumann HP et al. Cancer Res. 2009 Apr;69:3650-6; Rattenberry E et al. J. Clin. Endocrinol. Metab. 2013 Jul;98:E1248-56). Based on the majority of available evidence to date, this variant is likely to be pathogenic.

Literature cited by the submitters: PubMed 19351833; PubMed 23666964.

NM_003000.3(SDHB):c.801del (p.Lys268_Met269insTer)

Gene: SDHB (succinate dehydrogenase complex iron sulfur subunit B; minus strand). Cytogenetic location: 1p36.13.
Variant type: Deletion.
Coding change: c.801del on transcript NM_003000.3 (MANE Select); coding-DNA position 801, one base deleted (G; older notation c.801delG).
Protein change: p.Lys268_Met269insTer.
Molecular consequence: frameshift variant. On other transcripts: nonsense (1).
Genome position (GRCh38, 1-based): chr1:17,018,923, C deleted on the plus strand (G on the coding strand, the reverse complement: SDHB is on the minus strand). VCF-style (leftmost placement, unchanged base first): chr1-17018922-TC-T. GRCh37 (hg19) VCF-style: chr1-17345417-TC-T.
Other names: c.747delG, p.Met251Terfs (NM_001407361.1).
Identifiers: ClinVar variation 1761690 (VCV001761690.2), dbSNP rs2524994983, ClinGen allele CA2580060608.
Genomic context (GRCh38, chr1:17,018,922, plus strand): 5'-ATGTTTAGCATGGAAACAGTTAAACTGAAGCTTTCTTCTCCTTATAGGTTGCCATCATTT[TC>T]TTGATCTCTGCAATAGCTTTCCCTGGATTCAGACCCTTGAAAAAAGAGAAAAGAATCAAT-3'